The following is an entry in ClinVar:

NM_000260.4(MYO7A):c.3215C>T (p.Thr1072Ile)

Gene: MYO7A (myosin VIIA; plus strand). Cytogenetic location: 11q13.5.
Variant type: single nucleotide variant.
Coding change: c.3215C>T on transcript NM_000260.4 (MANE Select); coding-DNA position 3215, C replaced by T.
Protein change: p.Thr1072Ile; replaces threonine 1072 with isoleucine.
Molecular consequence: missense variant.
Genome position (GRCh38, 1-based): chr11:77,182,530, C>T. VCF-style: chr11-77182530-C-T. GRCh37 (hg19) VCF-style: chr11-76893575-C-T.
Other names: c.3215C>T, p.Thr1072Ile (NM_001127180.2); c.3182C>T, p.Thr1061Ile (NM_001369365.1); short protein forms T1061I, T1072I.
Identifiers: ClinVar variation 968397 (VCV000968397.10), dbSNP rs543040893, ClinGen allele CA6198009.

ClinVar aggregate classification (germline): Uncertain significance. Review status: criteria provided, multiple submitters, no conflicts (2 of 4 stars). 4 submissions from 4 submitters: Uncertain significance (3). 1 of the submissions does not count toward it. Last evaluated 2026-08-06.

Conditions:
Usher syndrome type 1 (USH1). Also called: RETINITIS PIGMENTOSA AND CONGENITAL DEAFNESS. Identifiers: Orphanet 231169, Orphanet 886, MedGen C1568247, MONDO:0010168, OMIM 276900.
Usher syndrome type 1B (USH1B). Also called: Usher syndrome type IB. Identifiers: MedGen C1848638, MONDO:0700087.
Inborn genetic diseases. Identifiers: MedGen C0950123, MeSH D030342.

Allele frequency attached by ClinVar (database versions not stated): gnomAD exomes 0.00001; gnomAD 0.00008 and 0.00007; 1000 Genomes Project 30x 0.00047; 1000 Genomes Project 0.00040; ExAC 0.00003; TOPMed 0.00006.
gnomAD v4.1: 19 of 1,613,430 alleles (0.0012%); highest among the groups gnomAD compares: African/African-American, 0.025%; no homozygotes.

Submissions (4):

OLLIN Analises Genomicas, OLLIN
Classification: Uncertain significance for Usher syndrome type 1. Last evaluated: 2026-08-06. Review status: criteria provided, single submitter. Criteria: ACMG Guidelines 2015 PMID 25741868. Collection method: clinical testing. Allele origin: germline. Inheritance: Autosomal dominant inheritance.
Comment: This missense variant, located in exon 25 (of 49), has been reported in ClinVar (accession VCV000968397.9) and in gnomAD with an allele frequency of 0.0012%. However, to our knowledge, it has not been reported in the scientific literature. In silico analysis predicts that this variant has a deleterious effect. According to the currently available evidence, this variant has been classified as uncertain significance (PM2_P, PP3).

Ambry Genetics
Classification: Uncertain significance for Inborn genetic diseases. Last evaluated: 2025-11-08. Review status: criteria provided, single submitter. Criteria: Ambry Variant Classification Scheme 2023. Collection method: clinical testing. Allele origin: germline.
Comment: The c.3215C>T (p.T1072I) alteration is located in exon 25 (coding exon 24) of the MYO7A gene. This alteration results from a C to T substitution at nucleotide position 3215, causing the threonine (T) at amino acid position 1072 to be replaced by an isoleucine (I). Based on data from gnomAD, the T allele has an overall frequency of 0.001% (4/279950) total alleles studied. The highest observed frequency was 0.017% (4/24164) of African alleles. Based on insufficient or conflicting evidence, the clinical significance of this alteration remains unclear.

Labcorp Genetics (formerly Invitae), Labcorp
Classification: Uncertain significance. Last evaluated: 2025-07-06. Review status: criteria provided, single submitter. Criteria: Invitae Variant Classification Sherloc (09022015). Collection method: clinical testing. Allele origin: germline.
Comment: This sequence change replaces threonine, which is neutral and polar, with isoleucine, which is neutral and non-polar, at codon 1072 of the MYO7A protein (p.Thr1072Ile). This variant is present in population databases (rs543040893, gnomAD 0.02%). This variant has not been reported in the literature in individuals affected with MYO7A-related conditions. ClinVar contains an entry for this variant (Variation ID: 968397). Invitae Evidence Modeling of protein sequence and biophysical properties (such as structural, functional, and spatial information, amino acid conservation, physicochemical variation, residue mobility, and thermodynamic stability) has been performed for this missense variant. However, the output from this modeling did not meet the statistical confidence thresholds required to predict the impact of this variant on MYO7A protein function. In summary, the available evidence is currently insufficient to determine the role of this variant in disease. Therefore, it has been classified as a Variant of Uncertain Significance.

Natera, Inc.
Classification: Uncertain significance for Usher syndrome type 1B. Last evaluated: 2020-09-29. Review status: no assertion criteria provided. Collection method: clinical testing. Allele origin: germline. Not counted in ClinVar's aggregate classification.